The following is an entry in ClinVar:

ClinVar aggregate classification (germline): Uncertain significance (1 of 4 stars; one submission).

Conditions:
Autosomal dominant spastic paraplegia type 9. Identifiers: MedGen C1832669, MONDO:0015091.
de Barsy syndrome. Also called: Cutis laxa-corneal clouding-oligophrenia syndrome. Identifiers: Orphanet 2962, MedGen C0268354, MONDO:0017569.
Cutis laxa, autosomal dominant 3 (ADCL3). Identifiers: Orphanet 90348, MedGen C4225268, MONDO:0014706, OMIM 616603.

Submission:

Labcorp Genetics (formerly Invitae), Labcorp
Classification: Uncertain significance for Autosomal dominant spastic paraplegia type 9; de Barsy syndrome; Cutis laxa, autosomal dominant 3. Last evaluated: 2022-05-30. Review status: criteria provided, single submitter. Criteria: Invitae Variant Classification Sherloc (09022015). Collection method: clinical testing. Allele origin: germline.
Comment: This sequence change replaces alanine, which is neutral and non-polar, with threonine, which is neutral and polar, at codon 250 of the ALDH18A1 protein (p.Ala250Thr). This variant is not present in population databases (gnomAD no frequency). This variant has not been reported in the literature in individuals affected with ALDH18A1-related conditions. Algorithms developed to predict the effect of missense changes on protein structure and function are either unavailable or do not agree on the potential impact of this missense change (SIFT: "Deleterious"; PolyPhen-2: "Possibly Damaging"; Align-GVGD: "Class C0"). In summary, the available evidence is currently insufficient to determine the role of this variant in disease. Therefore, it has been classified as a Variant of Uncertain Significance.

NM_002860.4(ALDH18A1):c.748G>A (p.Ala250Thr)

Gene: ALDH18A1 (aldehyde dehydrogenase 18 family member A1; minus strand). Cytogenetic location: 10q24.1.
Variant type: single nucleotide variant.
Coding change: c.748G>A on transcript NM_002860.4 (MANE Select); coding-DNA position 748, G replaced by A.
Protein change: p.Ala250Thr; replaces alanine 250 with threonine.
Molecular consequence: missense variant.
Genome position (GRCh38, 1-based): chr10:95,633,019, C>T on the plus strand (G>A on the coding strand, the complement: ALDH18A1 is on the minus strand). VCF-style: chr10-95633019-C-T. GRCh37 (hg19) VCF-style: chr10-97392776-C-T.
Other names: c.742G>A, p.Ala248Thr (NM_001017423.2, NM_001323415.2); c.415G>A, p.Ala139Thr (NM_001323412.2, NM_001323416.2); c.748G>A, p.Ala250Thr (NM_001323413.2, NM_001323414.2); c.643G>A, p.Ala215Thr (NM_001323417.2); c.409G>A, p.Ala137Thr (NM_001323418.2); c.112G>A, p.Ala38Thr (NM_001323419.2); short protein forms A215T, A250T, A38T, A137T, A139T, A248T.
Identifiers: ClinVar variation 2131233 (VCV002131233.4), dbSNP rs2526867593, ClinGen allele CA377705046.
Genomic context (GRCh38, chr10:95,633,019, plus strand): 5'-CTTCTACATCTGAAAGAACAATCAAGAGATCAGTTTTCATTTCCACAGCCAGTCGGGCAG[C>T]CAGGCTATCATTATCTTTAACACTAATAACCTAGAATGCAGATTAAAAAGTCATAAGTGA-3'
Protein context (NP_002851.2, residues 240-260): VISVKDNDSL[Ala250Thr]ARLAVEMKTD